The following is an entry in ClinVar:

ClinVar aggregate classification (germline): Likely pathogenic (1 of 4 stars; one submission).

Conditions:
Complex cortical dysplasia with other brain malformations 7. Identifiers: Orphanet 300573, MedGen C3552236, MONDO:0012399, OMIM 610031.

Submission:

Broad Center for Mendelian Genomics, Broad Institute of MIT and Harvard
Classification: Likely pathogenic for Complex cortical dysplasia with other brain malformations 7. Last evaluated: 2024-05-22. Review status: criteria provided, single submitter. Criteria: ACMG Guidelines, 2015. Collection method: curation. Allele origin: germline. Inheritance: Autosomal dominant inheritance.
Comment: Trio exome analysis showed this variant to be de novo. The variant has not been previously reported in individuals with cortical dysplasia, complex, with other brain malformations 7, and was absent from large population studies. Computational prediction tools and conservation analyses suggest that this variant may impact the protein, though this information is not predictive enough to determine pathogenicity. The number of missense variants reported in TUBB2B in the general population is lower than expected, suggesting there is little benign variation in this gene and slightly increasing the possibility that a missense variant in this gene may not be tolerated. In summary, although additional studies are required to fully establish its clinical significance, this variant is likely pathogenic for autosomal dominant cortical dysplasia, complex, with other brain malformations 7. ACMG/AMP Criteria applied: PS2_Moderate, PM2_Supporting, PP3_Moderate, PP2 (Richards 2015).

NM_178012.5(TUBB2B):c.622T>A (p.Tyr208Asn)

Gene: TUBB2B (tubulin beta 2B class IIb; minus strand). Cytogenetic location: 6p25.2.
Variant type: single nucleotide variant.
Coding change: c.622T>A on transcript NM_178012.5 (MANE Select); coding-DNA position 622, T replaced by A.
Protein change: p.Tyr208Asn; replaces tyrosine 208 with asparagine.
Molecular consequence: missense variant.
Genome position (GRCh38, 1-based): chr6:3,225,467, A>T on the plus strand (T>A on the coding strand, the complement: TUBB2B is on the minus strand). VCF-style: chr6-3225467-A-T. GRCh37 (hg19) VCF-style: chr6-3225701-A-T.
Other names: NM_178012.5:c.622T>A; short protein forms Y208N.
Identifiers: ClinVar variation 3236667 (VCV003236667.1), dbSNP rs2533617485, ClinGen allele CA362587673.